The following is an entry in ClinVar:

ClinVar aggregate classification (germline): Uncertain significance (1 of 4 stars; one submission).

Conditions:
Wilson disease (WND). Also called: Wilson's disease. Identifiers: Orphanet 905, MedGen C0019202, MONDO:0010200, OMIM 277900. Disease mechanism: loss of function.

gnomAD v4.1: 1 of 1,614,114 alleles (0.000062%); no homozygotes.

Submission:

Labcorp Genetics (formerly Invitae), Labcorp
Classification: Uncertain significance for Wilson disease. Last evaluated: 2022-08-07. Review status: criteria provided, single submitter. Criteria: Invitae Variant Classification Sherloc (09022015). Collection method: clinical testing. Allele origin: germline.
Comment: This sequence change affects codon 298 of the ATP7B mRNA. It is a 'silent' change, meaning that it does not change the encoded amino acid sequence of the ATP7B protein. This variant is not present in population databases (gnomAD no frequency). This variant has not been reported in the literature in individuals affected with ATP7B-related conditions. Algorithms developed to predict the effect of sequence changes on RNA splicing suggest that this variant may create or strengthen a splice site. In summary, the available evidence is currently insufficient to determine the role of this variant in disease. Therefore, it has been classified as a Variant of Uncertain Significance.

NM_000053.4(ATP7B):c.894A>G (p.Gln298=)

Gene: ATP7B (ATPase copper transporting beta; minus strand). Cytogenetic location: 13q14.3.
Variant type: single nucleotide variant.
Coding change: c.894A>G on transcript NM_000053.4 (MANE Select); coding-DNA position 894, A replaced by G.
Protein change: p.Gln298=; no amino-acid change (glutamine 298 retained).
Molecular consequence: synonymous variant. On other transcripts: intron variant (2).
Genome position (GRCh38, 1-based): chr13:51,974,326, T>C on the plus strand (A>G on the coding strand, the complement: ATP7B is on the minus strand). VCF-style: chr13-51974326-T-C. GRCh37 (hg19) VCF-style: chr13-52548462-T-C.
Other names: c.894A>G, p.Gln298= (NM_001005918.3, NM_001330578.2, NM_001330579.2 and 29 more transcripts); c.798A>G, p.Gln266= (NM_001406517.1, NM_001406518.1, NM_001406530.1 and 3 more transcripts); c.802+92A>G (NM_001243182.2); c.706+92A>G (NM_001406539.1).
Identifiers: ClinVar variation 2178233 (VCV002178233.1), dbSNP rs2547817331, ClinGen allele CA484024813.